The following is an entry in ClinVar:

NM_001256864.2(DNAJC6):c.2025G>A (p.Ser675=)

Gene: DNAJC6 (DnaJ heat shock protein family (Hsp40) member C6; plus strand). Cytogenetic location: 1p31.3.
Variant type: single nucleotide variant.
Coding change: c.2025G>A on transcript NM_001256864.2 (MANE Select); coding-DNA position 2025, G replaced by A.
Protein change: p.Ser675=; no amino-acid change (serine 675 retained).
Molecular consequence: synonymous variant.
Genome position (GRCh38, 1-based): chr1:65,395,019, G>A. VCF-style: chr1-65395019-G-A. GRCh37 (hg19) VCF-style: chr1-65860702-G-A.
Other names: c.1815G>A, p.Ser605= (NM_001256865.2); c.1854G>A, p.Ser618= (NM_014787.4); c.2025G>A (NM_001256864.1).
Identifiers: ClinVar variation 2051812 (VCV002051812.6), dbSNP rs185245369, ClinGen allele CA894047.
Genomic context (GRCh38, chr1:65,395,019, plus strand): 5'-TTTTCTGAACACATCCAGTGCTTCCAGTGACCCCTTTCTCCAGCCAACAAGAAGTCCTTC[G>A]CCCACAGTACATGGTAAGGAAATATTTTATATTGTGTTCAGTGGAACATAGTTTTCTGCA-3'
Protein context (NP_001243793.1, residues 665-685): DPFLQPTRSP[Ser675=]PTVHASSTPA

ClinVar aggregate classification (germline): Benign. Review status: criteria provided, single submitter (1 of 4 stars). 2 submissions from 2 submitters: Benign (1). 1 of the submissions does not count toward it. Last evaluated 2024-06-11.

Conditions:
Juvenile onset Parkinson disease 19A. Also called: PARK19; DNAJC6 Parkinson Disease. Identifiers: Orphanet 391411, MedGen C3809811, MONDO:0014231, OMIM 615528.
DNAJC6-related disorder. Also called: DNAJC6-Related Disorders; DNAJC6-related condition.

Allele frequency attached by ClinVar (database versions not stated): ESP Exome Variant Server 0.00008; ExAC 0.00012; 1000 Genomes Project 30x 0.00031; 1000 Genomes Project 0.00040.
gnomAD v4.1: 146 of 1,609,938 alleles (0.0091%); highest among the groups gnomAD compares: East Asian, 0.011%; no homozygotes.

Submissions (2):

Labcorp Genetics (formerly Invitae), Labcorp
Classification: Benign for Juvenile onset Parkinson disease 19A. Last evaluated: 2024-06-11. Review status: criteria provided, single submitter. Criteria: Invitae Variant Classification Sherloc (09022015). Collection method: clinical testing. Allele origin: germline.

PreventionGenetics, part of Exact Sciences
Classification: Likely benign for DNAJC6-related condition. Last evaluated: 2019-08-23. Review status: no assertion criteria provided. Collection method: clinical testing. Allele origin: germline. Not counted in ClinVar's aggregate classification.
Comment: This variant is classified as likely benign based on ACMG/AMP sequence variant interpretation guidelines (Richards et al. 2015 PMID: 25741868, with internal and published modifications).